The following is an entry in ClinVar:

ClinVar aggregate classification (germline): Uncertain significance. Review status: criteria provided, multiple submitters, no conflicts (2 of 4 stars). 3 submissions from 3 submitters: Uncertain significance (3). Last evaluated 2025-01-13.

Conditions:
MIRAGE syndrome. Also called: MYELODYSPLASIA, INFECTION, RESTRICTION OF GROWTH, ADRENAL HYPOPLASIA, GENITAL PHENOTYPES, AND ENTEROPATHY. Identifiers: Orphanet 494433, MedGen C4284088, MONDO:0014888, OMIM 617053.
Inborn genetic diseases. Identifiers: MedGen C0950123, MeSH D030342.

Submissions (3):

Ambry Genetics
Classification: Uncertain significance for Inborn genetic diseases. Last evaluated: 2025-01-13. Review status: criteria provided, single submitter. Criteria: Ambry Variant Classification Scheme 2023. Collection method: clinical testing. Allele origin: germline.
Comment: The p.L181R variant (also known as c.542T>G), located in coding exon 1 of the SAMD9 gene, results from a T to G substitution at nucleotide position 542. The leucine at codon 181 is replaced by arginine, an amino acid with dissimilar properties. This amino acid position is conserved. In addition, the in silico prediction for this alteration is inconclusive. Based on the available evidence, the clinical significance of this variant remains unclear.

GeneDx
Classification: Uncertain significance. Last evaluated: 2023-10-05. Review status: criteria provided, single submitter. Criteria: GeneDx Variant Classification Process June 2021. Collection method: clinical testing. Allele origin: germline. Affected: yes.
Comment: Not observed at significant frequency in large population cohorts (gnomAD); In silico analysis supports that this missense variant does not alter protein structure/function; Has not been previously published as pathogenic or benign to our knowledge

CENTOGENE GmbH and LLC - Guiding Precision Medicine
Classification: Uncertain significance for MIRAGE syndrome. Last evaluated: 2020-11-23. Review status: criteria provided, single submitter. Criteria: ACMG Guidelines, 2015. Collection method: clinical testing. Allele origin: germline. Affected: yes.

NM_017654.4(SAMD9):c.542T>G (p.Leu181Arg)

Gene: SAMD9 (sterile alpha motif domain containing 9; minus strand). Cytogenetic location: 7q21.2.
Variant type: single nucleotide variant.
Coding change: c.542T>G on transcript NM_017654.4 (MANE Select); coding-DNA position 542, T replaced by G.
Protein change: p.Leu181Arg; replaces leucine 181 with arginine.
Molecular consequence: missense variant.
Genome position (GRCh38, 1-based): chr7:93,105,556, A>C on the plus strand (T>G on the coding strand, the complement: SAMD9 is on the minus strand). VCF-style: chr7-93105556-A-C. GRCh37 (hg19) VCF-style: chr7-92734869-A-C.
Other names: c.542T>G (NM_017654.3); c.542T>G, p.Leu181Arg (NM_001193307.2); short protein forms L181R.
Identifiers: ClinVar variation 1333812 (VCV001333812.3), dbSNP rs2116422419, ClinGen allele CA368204689.